The following is an entry in ClinVar:

NM_004628.5(XPC):c.2544G>A (p.Trp848Ter)

Gene: XPC (XPC complex subunit, DNA damage recognition and repair factor; minus strand). Cytogenetic location: 3p25.1.
Variant type: single nucleotide variant.
Coding change: c.2544G>A on transcript NM_004628.5 (MANE Select); coding-DNA position 2544, G replaced by A.
Protein change: p.Trp848Ter; replaces tryptophan 848 with a stop codon.
Molecular consequence: nonsense. On other transcripts: non-coding transcript variant (2).
Genome position (GRCh38, 1-based): chr3:14,147,350, C>T on the plus strand (G>A on the coding strand, the complement: XPC is on the minus strand). VCF-style: chr3-14147350-C-T. GRCh37 (hg19) VCF-style: chr3-14188850-C-T.
Other names: c.1965G>A, p.Trp655Ter (NM_001354726.2); c.2538G>A, p.Trp846Ter (NM_001354727.2); c.2526G>A, p.Trp842Ter (NM_001354729.2); c.2298G>A, p.Trp766Ter (NM_001354730.2); short protein forms W655*, W766*, W842*, W846*, W848*.
Identifiers: ClinVar variation 1075325 (VCV001075325.10), dbSNP rs1317050260, ClinGen allele CA351537344.

ClinVar aggregate classification (germline): Pathogenic/Likely pathogenic. Review status: criteria provided, multiple submitters, no conflicts (2 of 4 stars). 2 submissions from 2 submitters: Pathogenic (1); Likely pathogenic (1). Last evaluated 2024-01-26.

Conditions:
Xeroderma pigmentosum, group C (XPC). Also called: Xeroderma pigmentosum, complementation group C; XERODERMA PIGMENTOSUM III; XP, GROUP C; XPC-Related Xeroderma Pigmentosum. Identifiers: Orphanet 910, MedGen C2752147, MONDO:0010211, OMIM 278720.

Allele frequency attached by ClinVar (database versions not stated): TOPMed 0.00001.
gnomAD v4.1: 9 of 1,611,680 alleles (0.00056%); highest among the groups gnomAD compares: Non-Finnish European, 0.00076%; no homozygotes.

Submissions (2):

Fulgent Genetics
Classification: Likely pathogenic for Xeroderma pigmentosum, group C. Last evaluated: 2024-01-26. Review status: criteria provided, single submitter. Criteria: ACMG Guidelines, 2015. Collection method: clinical testing. Allele origin: germline.

Labcorp Genetics (formerly Invitae), Labcorp
Classification: Pathogenic. Last evaluated: 2020-06-13. Review status: criteria provided, single submitter. Criteria: Invitae Variant Classification Sherloc (09022015). Collection method: clinical testing. Allele origin: germline.
Comment: Loss-of-function variants in XPC are known to be pathogenic (PMID: 23173980, 25256075). For these reasons, this variant has been classified as Pathogenic. This variant has been observed in individual(s) with xeroderma pigmentosa (PMID: 18717677). This variant is not present in population databases (ExAC no frequency). This sequence change creates a premature translational stop signal (p.Trp848*) in the XPC gene. It is expected to result in an absent or disrupted protein product.

Literature cited by the submitters: PubMed 23173980 (cited by Labcorp Genetics (formerly Invitae), Labcorp); PubMed 25256075 (cited by Labcorp Genetics (formerly Invitae), Labcorp); PubMed 18717677 (cited by Labcorp Genetics (formerly Invitae), Labcorp).